The following is an entry in ClinVar:

NM_001197104.2(KMT2A):c.9170del (p.Pro3057fs)

Gene: KMT2A (lysine methyltransferase 2A; plus strand). Cytogenetic location: 11q23.3.
Variant type: Deletion.
Coding change: c.9170del on transcript NM_001197104.2 (MANE Select); coding-DNA position 9170, one base deleted (C; older notation c.9170delC).
Protein change: p.Pro3057fs; shifts the reading frame from proline 3057.
Molecular consequence: frameshift variant.
Genome position (GRCh38, 1-based): chr11:118,505,062, C deleted; the last of 2 consecutive C bases (chr11:118,505,061-118,505,062); deleting either gives the same sequence. VCF-style (leftmost placement, unchanged base first): chr11-118505060-TC-T. GRCh37 (hg19) VCF-style: chr11-118375775-TC-T.
Other names: c.9260del, p.Pro3087fs (NM_001412597.1); c.9161del, p.Pro3054fs (NM_005933.4); short protein forms P3054fs, P3057fs, P3087fs.
Identifiers: ClinVar variation 4723358 (VCV004723358.1).
Genomic context (GRCh38, chr11:118,505,060, plus strand): 5'-ACCTGTTTCCCCAACTGTTCCCATCCAGAACCAGAAGTATGTGCCCAATTCTACTGATAG[TC>T]CTGGCCCGTCTCAGATTTCCAATGCAGCTGTCCAGACCACTCCACCCCACCTGAAGCCAG-3'

ClinVar aggregate classification (germline): Pathogenic (1 of 4 stars; one submission).

Submission:

Labcorp Genetics (formerly Invitae), Labcorp
Classification: Pathogenic. Last evaluated: 2025-07-16. Review status: criteria provided, single submitter. Criteria: Invitae Variant Classification Sherloc (09022015). Collection method: clinical testing. Allele origin: germline.
Comment: This sequence change creates a premature translational stop signal (p.Pro3057Leufs*18) in the KMT2A gene. It is expected to result in an absent or disrupted protein product. Loss-of-function variants in KMT2A are known to be pathogenic (PMID: 22795537, 25810209, 29574747). This variant is not present in population databases (gnomAD no frequency). This variant has not been reported in the literature in individuals affected with KMT2A-related conditions. For these reasons, this variant has been classified as Pathogenic.

Literature cited by the submitters: PubMed 22795537; PubMed 25810209; PubMed 29574747.